The following is an entry in ClinVar:

ClinVar aggregate classification (germline): Uncertain significance (1 of 4 stars; one submission).

Conditions:
Familial hemophagocytic lymphohistiocytosis 3 (FHL3). Also called: UNC13D-Related Familial Hemophagocytic Lymphohistiocytosis (UNC13D-fHLH). Identifiers: Orphanet 540, MedGen C1837174, MONDO:0012146, OMIM 608898.

Submission:

Labcorp Genetics (formerly Invitae), Labcorp
Classification: Uncertain significance for Hemophagocytic lymphohistiocytosis, familial, 3. Last evaluated: 2019-12-26. Review status: criteria provided, single submitter. Criteria: Invitae Variant Classification Sherloc (09022015). Collection method: clinical testing. Allele origin: germline.
Comment: This sequence change replaces glycine with arginine at codon 319 of the UNC13D protein (p.Gly319Arg). The glycine residue is weakly conserved and there is a moderate physicochemical difference between glycine and arginine. This variant is not present in population databases (ExAC no frequency). This variant has not been reported in the literature in individuals with UNC13D-related conditions. Algorithms developed to predict the effect of missense changes on protein structure and function are either unavailable or do not agree on the potential impact of this missense change (SIFT: "Not Available"; PolyPhen-2: "Probably Damaging"; Align-GVGD: "Not Available"). In summary, the available evidence is currently insufficient to determine the role of this variant in disease. Therefore, it has been classified as a Variant of Uncertain Significance.

NM_199242.3(UNC13D):c.955G>A (p.Gly319Arg)

Gene: UNC13D (unc-13 homolog D; minus strand). Cytogenetic location: 17q25.1.
Variant type: single nucleotide variant.
Coding change: c.955G>A on transcript NM_199242.3 (MANE Select); coding-DNA position 955, G replaced by A.
Protein change: p.Gly319Arg; replaces glycine 319 with arginine.
Molecular consequence: missense variant.
Genome position (GRCh38, 1-based): chr17:75,839,939, C>T on the plus strand (G>A on the coding strand, the complement: UNC13D is on the minus strand). VCF-style: chr17-75839939-C-T. GRCh37 (hg19) VCF-style: chr17-73836020-C-T.
Other names: short protein forms G319R.
Identifiers: ClinVar variation 851529 (VCV000851529.1), dbSNP rs2064935570, ClinGen allele CA401106916.